The following is an entry in ClinVar:

ClinVar aggregate classification (germline): Uncertain significance (1 of 4 stars; one submission).

Conditions:
Brugada syndrome 8 (BRGDA8). Identifiers: Orphanet 130, MedGen C2751083, MONDO:0013148, OMIM 613123.

Allele frequency attached by ClinVar (database versions not stated): gnomAD exomes below 0.00001.
gnomAD v4.1: 2 of 1,608,784 alleles (0.00012%); highest among the groups gnomAD compares: East Asian, 0.0022%; no homozygotes.

Submission:

Labcorp Genetics (formerly Invitae), Labcorp
Classification: Uncertain significance for Brugada syndrome 8. Last evaluated: 2022-07-24. Review status: criteria provided, single submitter. Criteria: Invitae Variant Classification Sherloc (09022015). Collection method: clinical testing. Allele origin: germline.
Comment: Advanced modeling of protein sequence and biophysical properties (such as structural, functional, and spatial information, amino acid conservation, physicochemical variation, residue mobility, and thermodynamic stability) performed at Invitae indicates that this missense variant is not expected to disrupt HCN4 protein function. In summary, the available evidence is currently insufficient to determine the role of this variant in disease. Therefore, it has been classified as a Variant of Uncertain Significance. This variant has not been reported in the literature in individuals affected with HCN4-related conditions. This variant is not present in population databases (gnomAD no frequency). This sequence change replaces proline, which is neutral and non-polar, with leucine, which is neutral and non-polar, at codon 1146 of the HCN4 protein (p.Pro1146Leu).

NM_005477.3(HCN4):c.3437C>T (p.Pro1146Leu)

Gene: HCN4 (hyperpolarization activated cyclic nucleotide gated potassium channel 4; minus strand). Cytogenetic location: 15q24.1.
Variant type: single nucleotide variant.
Coding change: c.3437C>T on transcript NM_005477.3 (MANE Select); coding-DNA position 3437, C replaced by T.
Protein change: p.Pro1146Leu; replaces proline 1146 with leucine.
Molecular consequence: missense variant.
Genome position (GRCh38, 1-based): chr15:73,322,656, G>A on the plus strand (C>T on the coding strand, the complement: HCN4 is on the minus strand). VCF-style: chr15-73322656-G-A. GRCh37 (hg19) VCF-style: chr15-73614997-G-A.
Other names: short protein forms P1146L.
Identifiers: ClinVar variation 2136517 (VCV002136517.4), dbSNP rs1207292841, ClinGen allele CA393085312.